The following is an entry in ClinVar:

ClinVar aggregate classification (germline): Uncertain significance. Review status: criteria provided, single submitter (1 of 4 stars). 2 submissions from 2 submitters: Uncertain significance (1). 1 of the submissions does not count toward it. Last evaluated 2020-07-02.

Conditions:
Atrophia bulborum hereditaria (ND). Also called: Norrie Disease; Norrie Disease (Classic Norrie Disease Ocular Phenotype with or without Extraocular Findings; EPISKOPI BLINDNESS; Pseudoglioma; Norrie syndrome; Norrie-Warburg syndrome. Identifiers: Orphanet 649, MedGen C0266526, MONDO:0010691, OMIM 310600, HP:6000262.

Submissions (2):

GeneDx
Classification: Uncertain significance. Last evaluated: 2020-07-02. Review status: criteria provided, single submitter. Criteria: GeneDx Variant Classification Process June 2021. Collection method: clinical testing. Allele origin: germline. Affected: yes.
Comment: Not observed in large population cohorts (Lek et al., 2016); In silico analysis supports that this missense variant does not alter protein structure/function; This variant is associated with the following publications: (PMID: 1307245, 22786811, 8298646, 23871722)

OMIM
Classification: Pathogenic for NORRIE DISEASE. Last evaluated: 1992-10-01. Review status: no assertion criteria provided. Collection method: literature only. Allele origin: germline. Not counted in ClinVar's aggregate classification.

Literature cited by the submitters: PubMed 1307245 (cited by OMIM).

NM_000266.4(NDP):c.269G>C (p.Arg90Pro)

Genes: NDP (norrin cystine knot growth factor NDP; minus strand), NDP-AS1 (NDP antisense RNA 1; plus strand). Cytogenetic location: Xp11.3.
Variant type: single nucleotide variant.
Coding change: c.269G>C on transcript NM_000266.4 (MANE Select); coding-DNA position 269, G replaced by C.
Protein change: p.Arg90Pro; replaces arginine 90 with proline.
Molecular consequence: missense variant. On other transcripts: non-coding transcript variant (1).
Genome position (GRCh38, 1-based): chrX:43,949,932, C>G on the plus strand (G>C on the coding strand, the complement: NDP is on the minus strand). VCF-style: chrX-43949932-C-G. GRCh37 (hg19) VCF-style: chrX-43809178-C-G.
Other names: short protein forms R90P.
Identifiers: ClinVar variation 10679 (VCV000010679.3), dbSNP rs104894867, ClinGen allele CA255466.